The following is an entry in ClinVar:

ClinVar aggregate classification (germline): Likely pathogenic (1 of 4 stars; one submission).

Conditions:
Eculizumab, poor response to. Identifiers: MedGen C3810402, OMIM 615749.

Submission:

3billion
Classification: Likely pathogenic for Eculizumab, poor response to. Last evaluated: 2024-11-08. Review status: criteria provided, single submitter. Criteria: ACMG Guidelines, 2015. Collection method: clinical testing. Allele origin: germline. Affected: yes.
Comment: The variant is not observed in the gnomAD v4.1.0 dataset. Predicted Consequence/Location: Stop-gained (nonsense): predicted to result in a loss or disruption of normal protein function through nonsense-mediated decay (NMD) or protein truncation. Multiple pathogenic variants are reported downstream of the variant. Damaging effect on gene or gene product predicted by in silico programs is uncertain [REVEL: NA (damaging >=0.6, benign <0.4), 3Cnet: NA (damaging >=0.6, benign <0.15)]. Therefore, this variant is classified as Likely pathogenic according to the recommendation of ACMG/AMP guideline.

NM_001735.3(C5):c.2938A>T (p.Lys980Ter)

Gene: C5 (complement C5; minus strand). Cytogenetic location: 9q33.2.
Variant type: single nucleotide variant.
Coding change: c.2938A>T on transcript NM_001735.3 (MANE Select); coding-DNA position 2938, A replaced by T.
Protein change: p.Lys980Ter; replaces lysine 980 with a stop codon.
Molecular consequence: nonsense.
Genome position (GRCh38, 1-based): chr9:120,991,194, T>A on the plus strand (A>T on the coding strand, the complement: C5 is on the minus strand). VCF-style: chr9-120991194-T-A. GRCh37 (hg19) VCF-style: chr9-123753472-T-A.
Other names: c.2956A>T, p.Lys986Ter (NM_001317163.2); short protein forms K980*, K986*.
Identifiers: ClinVar variation 4292760 (VCV004292760.1).